The following is an entry in ClinVar:

NM_004260.4(RECQL4):c.1263T>G (p.Ser421Arg)

Gene: RECQL4 (RecQ like helicase 4; minus strand). Cytogenetic location: 8q24.3.
Variant type: single nucleotide variant.
Coding change: c.1263T>G on transcript NM_004260.4 (MANE Select); coding-DNA position 1263, T replaced by G.
Protein change: p.Ser421Arg; replaces serine 421 with arginine.
Molecular consequence: missense variant.
Genome position (GRCh38, 1-based): chr8:144,515,453, A>C on the plus strand (T>G on the coding strand, the complement: RECQL4 is on the minus strand). VCF-style: chr8-144515453-A-C. GRCh37 (hg19) VCF-style: chr8-145740837-A-C.
Other names: c.1167T>G, p.Ser389Arg (NM_001413017.1, NM_001413020.1); c.1263T>G, p.Ser421Arg (NM_001413018.1, NM_001413019.1, NM_001413033.1 and 2 more transcripts); c.192T>G, p.Ser64Arg (NM_001413021.1, NM_001413022.1, NM_001413023.1 and 8 more transcripts); c.1134T>G, p.Ser378Arg (NM_001413025.1); c.126T>G, p.Ser42Arg (NM_001413027.1, NM_001413030.1, NM_001413031.1 and 2 more transcripts); c.912T>G, p.Ser304Arg (NM_001413029.1); c.-205T>G (NM_001413043.1); short protein forms S304R, S378R, S389R, S64R, S42R, S421R.
Identifiers: ClinVar variation 2002720 (VCV002002720.4), dbSNP rs1437910517, ClinGen allele CA372686080.
Genomic context (GRCh38, chr8:144,515,453, plus strand): 5'-AGGTACAGGTTGTGGTGAAGGAACCAGTGGCTCAGGCCCAACAGCATCTGTGTCTTCCTC[A>C]CTTGCTGGGGCAGGCAGGAGAGGGTAGAATGGGAGCTCCAGGTCGGGCAAGACAACCACT-3'
Protein context (NP_004251.4, residues 411-431): HWAAQCPRPA[Ser421Arg]EEDTDAVGPE

ClinVar aggregate classification (germline): Uncertain significance (1 of 4 stars; one submission).

Conditions:
Baller-Gerold syndrome (BGS). Also called: CRANIOSYNOSTOSIS WITH RADIAL DEFECTS. Identifiers: Orphanet 1225, MedGen C0265308, MONDO:0009039, OMIM 218600.

Allele frequency attached by ClinVar (database versions not stated): TOPMed 0.00001.

Submission:

Labcorp Genetics (formerly Invitae), Labcorp
Classification: Uncertain significance for Baller-Gerold syndrome. Last evaluated: 2022-07-14. Review status: criteria provided, single submitter. Criteria: Invitae Variant Classification Sherloc (09022015). Collection method: clinical testing. Allele origin: germline.
Comment: In summary, the available evidence is currently insufficient to determine the role of this variant in disease. Therefore, it has been classified as a Variant of Uncertain Significance. Experimental studies and prediction algorithms are not available or were not evaluated, and the functional significance of this variant is currently unknown. This variant has not been reported in the literature in individuals affected with RECQL4-related conditions. This variant is not present in population databases (gnomAD no frequency). This sequence change replaces serine, which is neutral and polar, with arginine, which is basic and polar, at codon 421 of the RECQL4 protein (p.Ser421Arg).